The following is an entry in ClinVar:

NM_001375567.1(FOCAD):c.2141T>C (p.Leu714Pro)

Gene: FOCAD (focadhesin; plus strand). Cytogenetic location: 9p21.3.
Variant type: single nucleotide variant.
Coding change: c.2141T>C on transcript NM_001375567.1 (MANE Select); coding-DNA position 2141, T replaced by C.
Protein change: p.Leu714Pro; replaces leucine 714 with proline.
Molecular consequence: missense variant.
Genome position (GRCh38, 1-based): chr9:20,866,963, T>C. VCF-style: chr9-20866963-T-C. GRCh37 (hg19) VCF-style: chr9-20866962-T-C.
Other names: c.2036T>C, p.Leu679Pro (NM_001375568.1, NM_001375570.1); c.2141T>C, p.Leu714Pro (NM_017794.5); short protein forms L714P, L679P.
Identifiers: ClinVar variation 4719898 (VCV004719898.1).

ClinVar aggregate classification (germline): Uncertain significance (1 of 4 stars; one submission).

gnomAD v4.1: 1 of 1,439,616 alleles (0.000069%); no homozygotes.

Submission:

Labcorp Genetics (formerly Invitae), Labcorp
Classification: Uncertain significance. Last evaluated: 2025-09-24. Review status: criteria provided, single submitter. Criteria: Invitae Variant Classification Sherloc (09022015). Collection method: clinical testing. Allele origin: germline.
Comment: This sequence change replaces leucine, which is neutral and non-polar, with proline, which is neutral and non-polar, at codon 714 of the FOCAD protein (p.Leu714Pro). This variant is not present in population databases (gnomAD no frequency). This variant has not been reported in the literature in individuals affected with FOCAD-related conditions. Experimental studies and prediction algorithms are not available or were not evaluated, and the functional significance of this variant is currently unknown. In summary, the available evidence is currently insufficient to determine the role of this variant in disease. Therefore, it has been classified as a Variant of Uncertain Significance.